The following is an entry in ClinVar:

NM_032380.5(GFM2):c.1540C>T (p.Arg514Cys)

Gene: GFM2 (GTP dependent ribosome recycling factor mitochondrial 2; minus strand). Cytogenetic location: 5q13.3.
Variant type: single nucleotide variant.
Coding change: c.1540C>T on transcript NM_032380.5 (MANE Select); coding-DNA position 1540, C replaced by T.
Protein change: p.Arg514Cys; replaces arginine 514 with cysteine.
Molecular consequence: missense variant. On other transcripts: non-coding transcript variant (1).
Genome position (GRCh38, 1-based): chr5:74,733,069, G>A on the plus strand (C>T on the coding strand, the complement: GFM2 is on the minus strand). VCF-style: chr5-74733069-G-A. GRCh37 (hg19) VCF-style: chr5-74028894-G-A.
Other names: c.1636C>T, p.Arg546Cys (NM_001281302.2); c.1399C>T, p.Arg467Cys (NM_170691.3); short protein forms R467C, R546C, R514C.
Identifiers: ClinVar variation 2963363 (VCV002963363.3), dbSNP rs139234343, ClinGen allele CA3306496.
Genomic context (GRCh38, chr5:74,733,069, plus strand): 5'-ATAATATACCTACTTGTCCAGAGTCAGGATCTAGCCTCACTTTCAAACTGGGATCTTCAC[G>A]CTGAAGACATTTCAACGCATGTTCCAAATCTATGGGATAAACAACTGTTATCTTTACATT-3'
Protein context (NP_115756.2, residues 504-524): DLEHALKCLQ[Arg514Cys]EDPSLKVRLD

ClinVar aggregate classification (germline): Uncertain significance (1 of 4 stars; one submission).

Allele frequency attached by ClinVar (database versions not stated): ExAC 0.00004; gnomAD 0.00004; ESP Exome Variant Server 0.00008; 1000 Genomes Project 0.00040; 1000 Genomes Project 30x 0.00047.
gnomAD v4.1: 17 of 1,611,342 alleles (0.0011%); highest among the groups gnomAD compares: African/African-American, 0.0067%; no homozygotes.

Submission:

Labcorp Genetics (formerly Invitae), Labcorp
Classification: Uncertain significance. Last evaluated: 2023-01-13. Review status: criteria provided, single submitter. Criteria: Invitae Variant Classification Sherloc (09022015). Collection method: clinical testing. Allele origin: germline.
Comment: This variant is present in population databases (rs139234343, gnomAD 0.007%). This sequence change replaces arginine, which is basic and polar, with cysteine, which is neutral and slightly polar, at codon 514 of the GFM2 protein (p.Arg514Cys). This variant has not been reported in the literature in individuals affected with GFM2-related conditions. In summary, the available evidence is currently insufficient to determine the role of this variant in disease. Therefore, it has been classified as a Variant of Uncertain Significance. Advanced modeling of protein sequence and biophysical properties (such as structural, functional, and spatial information, amino acid conservation, physicochemical variation, residue mobility, and thermodynamic stability) has been performed at Invitae for this missense variant, however the output from this modeling did not meet the statistical confidence thresholds required to predict the impact of this variant on GFM2 protein function.